The following is an entry in ClinVar:

NM_153240.5(NPHP3):c.2813A>C (p.Asn938Thr)

Genes: NPHP3 (nephrocystin 3; minus strand), NPHP3-ACAD11 (NPHP3-ACAD11 readthrough (NMD candidate); minus strand). Cytogenetic location: 3q22.1.
Variant type: single nucleotide variant.
Coding change: c.2813A>C on transcript NM_153240.5 (MANE Select); coding-DNA position 2813, A replaced by C.
Protein change: p.Asn938Thr; replaces asparagine 938 with threonine.
Molecular consequence: missense variant. On other transcripts: non-coding transcript variant (1).
Genome position (GRCh38, 1-based): chr3:132,689,144, T>G on the plus strand (A>C on the coding strand, the complement: NPHP3 is on the minus strand). VCF-style: chr3-132689144-T-G. GRCh37 (hg19) VCF-style: chr3-132407988-T-G.
Other names: short protein forms N938T.
Identifiers: ClinVar variation 862936 (VCV000862936.9), dbSNP rs1939236897, ClinGen allele CA354580413.

ClinVar aggregate classification (germline): Uncertain significance (1 of 4 stars; one submission).

Conditions:
Nephronophthisis. Also called: Juvenile Nephronophthisis. Identifiers: Orphanet 655, MedGen C0687120, MONDO:0019005, HP:0000090.

Submission:

Labcorp Genetics (formerly Invitae), Labcorp
Classification: Uncertain significance for Nephronophthisis. Last evaluated: 2021-02-26. Review status: criteria provided, single submitter. Criteria: Invitae Variant Classification Sherloc (09022015). Collection method: clinical testing. Allele origin: germline.
Comment: In summary, the available evidence is currently insufficient to determine the role of this variant in disease. Therefore, it has been classified as a Variant of Uncertain Significance. Algorithms developed to predict the effect of missense changes on protein structure and function (SIFT, PolyPhen-2, Align-GVGD) all suggest that this variant is likely to be tolerated, but these predictions have not been confirmed by published functional studies and their clinical significance is uncertain. This variant has not been reported in the literature in individuals with NPHP3-related conditions. This variant is not present in population databases (ExAC no frequency). This sequence change replaces asparagine with threonine at codon 938 of the NPHP3 protein (p.Asn938Thr). The asparagine residue is weakly conserved and there is a small physicochemical difference between asparagine and threonine.